The following is an entry in ClinVar:

ClinVar aggregate classification (germline): Uncertain significance (1 of 4 stars; one submission).

Conditions:
Familial thoracic aortic aneurysm and aortic dissection (TAAD). Also called: Thoracic aortic aneurysms and dissections. Identifiers: Orphanet 91387, MedGen C4707243, MONDO:0019625.

gnomAD v4.1: 1 of 1,611,574 alleles (0.000062%); highest among the groups gnomAD compares: East Asian, 0.0022%; no homozygotes.

Submission:

Ambry Genetics
Classification: Uncertain significance for Familial thoracic aortic aneurysm and aortic dissection. Last evaluated: 2026-02-19. Review status: criteria provided, single submitter. Criteria: Ambry Variant Classification Scheme 2023. Collection method: clinical testing. Allele origin: germline.
Comment: The p.S131Y variant (also known as c.392C>A), located in coding exon 4 of the COL3A1 gene, results from a C to A substitution at nucleotide position 392. The serine at codon 131 is replaced by tyrosine, an amino acid with dissimilar properties. This amino acid position is conserved. In addition, the in silico prediction for this alteration is inconclusive. Based on the available evidence, the clinical significance of this variant remains unclear.

NM_000090.4(COL3A1):c.392C>A (p.Ser131Tyr)

Gene: COL3A1 (collagen type III alpha 1 chain; plus strand). Cytogenetic location: 2q32.2.
Variant type: single nucleotide variant.
Coding change: c.392C>A on transcript NM_000090.4 (MANE Select); coding-DNA position 392, C replaced by A.
Protein change: p.Ser131Tyr; replaces serine 131 with tyrosine.
Molecular consequence: missense variant.
Genome position (GRCh38, 1-based): chr2:188,985,723, C>A. VCF-style: chr2-188985723-C-A. GRCh37 (hg19) VCF-style: chr2-189850449-C-A.
Other names: short protein forms S131Y.
Identifiers: ClinVar variation 4835218 (VCV004835218.1).